The following is an entry in ClinVar:

ClinVar aggregate classification (germline): Uncertain significance (1 of 4 stars; one submission).

Conditions:
Charcot-Marie-Tooth disease axonal type 2O. Also called: CHARCOT-MARIE-TOOTH NEUROPATHY, AXONAL, TYPE 2O; CHARCOT-MARIE-TOOTH DISEASE, AXONAL, AUTOSOMAL DOMINANT, TYPE 2O; Charcot-Marie-Tooth Neuropathy Type 2O; Charcot-Marie-Tooth disease, axonal, type 20. Identifiers: Orphanet 284232, MedGen C3280220, MONDO:0013644, OMIM 614228.

Allele frequency attached by ClinVar (database versions not stated): gnomAD exomes below 0.00001.
gnomAD v4.1: 3 of 1,613,590 alleles (0.00019%); highest among the groups gnomAD compares: Non-Finnish European, 0.00025%; no homozygotes.

Submission:

Labcorp Genetics (formerly Invitae), Labcorp
Classification: Uncertain significance for Charcot-Marie-Tooth disease axonal type 2O. Last evaluated: 2025-12-01. Review status: criteria provided, single submitter. Criteria: Invitae Variant Classification Sherloc (09022015). Collection method: clinical testing. Allele origin: germline.
Comment: This sequence change replaces arginine, which is basic and polar, with tryptophan, which is neutral and slightly polar, at codon 790 of the DYNC1H1 protein (p.Arg790Trp). This variant is not present in population databases (gnomAD no frequency). This variant has not been reported in the literature in individuals affected with DYNC1H1-related conditions. ClinVar contains an entry for this variant (Variation ID: 2813689). Invitae Evidence Modeling of protein sequence and biophysical properties (such as structural, functional, and spatial information, amino acid conservation, physicochemical variation, residue mobility, and thermodynamic stability) has been performed for this missense variant. However, the output from this modeling did not meet the statistical confidence thresholds required to predict the impact of this variant on DYNC1H1 protein function. In summary, the available evidence is currently insufficient to determine the role of this variant in disease. Therefore, it has been classified as a Variant of Uncertain Significance.

NM_001376.5(DYNC1H1):c.2368C>T (p.Arg790Trp)

Gene: DYNC1H1 (dynein cytoplasmic 1 heavy chain 1; plus strand). Cytogenetic location: 14q32.31.
Variant type: single nucleotide variant.
Coding change: c.2368C>T on transcript NM_001376.5 (MANE Select); coding-DNA position 2368, C replaced by T.
Protein change: p.Arg790Trp; replaces arginine 790 with tryptophan.
Molecular consequence: missense variant.
Genome position (GRCh38, 1-based): chr14:101,986,593, C>T. VCF-style: chr14-101986593-C-T. GRCh37 (hg19) VCF-style: chr14-102452930-C-T.
Other names: short protein forms R790W.
Identifiers: ClinVar variation 2813689 (VCV002813689.3), dbSNP rs2503696157, ClinGen allele CA391023245.